The following is an entry in ClinVar:

NM_001367805.3(KIF23):c.12-3_12-2dup

Gene: KIF23 (kinesin family member 23; plus strand). Cytogenetic location: 15q23.
Variant type: Duplication.
Coding change: c.12-3_12-2dup on transcript NM_001367805.3 (MANE Select); 3 bases into the intron before coding-DNA position 12 through the canonical splice acceptor site of the intron before coding-DNA position 12, 2 bases duplicated (CA; older notation c.12-3_12-2dupCA).
Molecular consequence: splice acceptor variant.
Genome position (GRCh38, 1-based): chr15:69,415,991-69,415,992, CA duplicated. VCF-style (leftmost placement, unchanged base first): chr15-69415990-C-CCA. GRCh37 (hg19) VCF-style: chr15-69708329-C-CCA.
Other names: c.12-3_12-2dup (NM_138555.4, NM_001367804.2, NM_004856.7); c.-182-3_-182-2dup (NM_001281301.2).
Identifiers: ClinVar variation 2962449 (VCV002962449.3), dbSNP rs2548708419, ClinGen allele CA2629219853.

ClinVar aggregate classification (germline): Uncertain significance (1 of 4 stars; one submission).

Allele frequency attached by ClinVar (database versions not stated): gnomAD exomes below 0.00001.

Submission:

Labcorp Genetics (formerly Invitae), Labcorp
Classification: Uncertain significance. Last evaluated: 2024-01-02. Review status: criteria provided, single submitter. Criteria: Invitae Variant Classification Sherloc (09022015). Collection method: clinical testing. Allele origin: germline.
Comment: This sequence change falls in intron 1 of the KIF23 gene. It does not directly change the encoded amino acid sequence of the KIF23 protein. This variant is not present in population databases (gnomAD no frequency). This variant has not been reported in the literature in individuals affected with KIF23-related conditions. Experimental studies and prediction algorithms are not available or were not evaluated, and the effect of this variant on mRNA splicing is currently unknown. In summary, the available evidence is currently insufficient to determine the role of this variant in disease. Therefore, it has been classified as a Variant of Uncertain Significance.